The following is an entry in ClinVar:

ClinVar aggregate classification (germline): Uncertain significance. Review status: criteria provided, multiple submitters, no conflicts (2 of 4 stars). 3 submissions from 3 submitters: Uncertain significance (3). Last evaluated 2024-10-12.

Conditions:
XPO5-related disorder. Also called: XPO5-related condition.

Allele frequency attached by ClinVar (database versions not stated): ESP Exome Variant Server 0.00017; TOPMed 0.00008; 1000 Genomes Project 30x 0.00031; 1000 Genomes Project 0.00040; ExAC 0.00002; gnomAD 0.00010.
gnomAD v4.1: 24 of 1,614,008 alleles (0.0015%); highest among the groups gnomAD compares: African/African-American, 0.031%; no homozygotes.

Submissions (3):

Ambry Genetics
Classification: Uncertain significance. Last evaluated: 2024-10-12. Review status: criteria provided, single submitter. Criteria: Ambry Variant Classification Scheme 2023. Collection method: clinical testing. Allele origin: germline.

Labcorp Genetics (formerly Invitae), Labcorp
Classification: Uncertain significance. Last evaluated: 2023-03-26. Review status: criteria provided, single submitter. Criteria: Invitae Variant Classification Sherloc (09022015). Collection method: clinical testing. Allele origin: germline.
Comment: In summary, the available evidence is currently insufficient to determine the role of this variant in disease. Therefore, it has been classified as a Variant of Uncertain Significance. This variant has not been reported in the literature in individuals affected with XPO5-related conditions. This variant is present in population databases (rs372441079, gnomAD 0.02%). Algorithms developed to predict the effect of missense changes on protein structure and function output the following: SIFT: "Not Available"; PolyPhen-2: "Possibly Damaging"; Align-GVGD: "Not Available". The serine amino acid residue is found in multiple mammalian species, which suggests that this missense change does not adversely affect protein function. This sequence change replaces alanine, which is neutral and non-polar, with serine, which is neutral and polar, at codon 462 of the XPO5 protein (p.Ala462Ser).

PreventionGenetics, part of Exact Sciences
Classification: Uncertain significance for XPO5-related condition. Last evaluated: 2023-01-20. Review status: criteria provided, single submitter. Criteria: ACMG Guidelines, 2015. Collection method: clinical testing. Allele origin: germline.
Comment: The XPO5 c.1384G>T variant is predicted to result in the amino acid substitution p.Ala462Ser. To our knowledge, this variant has not been reported in the literature. This variant is reported in 0.021% of alleles in individuals of African descent in gnomAD. At this time, the clinical significance of this variant is uncertain due to the absence of conclusive functional and genetic evidence.

NM_020750.3(XPO5):c.1384G>T (p.Ala462Ser)

Genes: POLR1C (RNA polymerase I and III subunit C; plus strand), XPO5 (exportin 5; minus strand). Cytogenetic location: 6p21.1.
Variant type: single nucleotide variant.
Coding change: c.1384G>T on transcript NM_020750.3 (MANE Select); coding-DNA position 1384, G replaced by T.
Protein change: p.Ala462Ser; replaces alanine 462 with serine.
Molecular consequence: missense variant. On other transcripts: non-coding transcript variant (1), intron variant (1).
Genome position (GRCh38, 1-based): chr6:43,555,893, C>A on the plus strand (G>T on the coding strand, the complement: XPO5 is on the minus strand). VCF-style: chr6-43555893-C-A. GRCh37 (hg19) VCF-style: chr6-43523630-C-A.
Other names: c.*42+4882C>A (NM_001363658.2); short protein forms A462S.
Identifiers: ClinVar variation 2634134 (VCV002634134.5), dbSNP rs372441079, ClinGen allele CA3826440.